The following is an entry in ClinVar:

NM_001360016.2(G6PD):c.519C>G (p.Phe173Leu)

Gene: G6PD (glucose-6-phosphate dehydrogenase; minus strand). Cytogenetic location: Xq28.
Variant type: single nucleotide variant.
Coding change: c.519C>G on transcript NM_001360016.2 (MANE Select); coding-DNA position 519, C replaced by G.
Protein change: p.Phe173Leu; replaces phenylalanine 173 with leucine.
Molecular consequence: missense variant.
Genome position (GRCh38, 1-based): chrX:154,534,463, G>C on the plus strand (C>G on the coding strand, the complement: G6PD is on the minus strand). VCF-style: chrX-154534463-G-C. GRCh37 (hg19) VCF-style: chrX-153762678-G-C.
Other names: G6PD Miaoli; c.609C>G, p.Phe203Leu (NM_000402.4); c.519C>G, p.Phe173Leu (NM_001042351.3); short protein forms F173L, F203L.
Identifiers: ClinVar variation 1722656 (VCV001722656.7), dbSNP rs200111236, ClinGen allele CA415238108.

ClinVar aggregate classification (germline): Pathogenic. Review status: criteria provided, multiple submitters, no conflicts (2 of 4 stars). 3 submissions from 3 submitters: Pathogenic (3). Last evaluated 2024-11-26.

Conditions:
Anemia, nonspherocytic hemolytic, due to G6PD deficiency (CNSHA1). Also called: Hemolytic anemia due to G6PD deficiency; Class I glucose-6-phosphate dehydrogenase deficiency; Favism, susceptibility to; ANEMIA, CONGENITAL, NONSPHEROCYTIC HEMOLYTIC, 1. Identifiers: Orphanet 466026, MedGen C2720289, MONDO:0010480, OMIM 300908.
G6PD deficiency. Also called: G6PD A-. Identifiers: MedGen C2939465, MONDO:0005775.

gnomAD v4.1: 1 of 1,211,865 alleles (0.000083%); no homozygotes.

Submissions (3):

Women's Health and Genetics/Laboratory Corporation of America, LabCorp
Classification: Pathogenic for G6PD deficiency. Last evaluated: 2024-11-26. Review status: criteria provided, single submitter. Criteria: LabCorp Variant Classification Summary - May 2015. Collection method: clinical testing. Allele origin: germline.
Comment: Variant summary: G6PD c.609C>G (p.Phe203Leu) results in a non-conservative amino acid change located in the glucose-6-phosphate dehydrogenase, NAD binding domain (IPR022674) of the encoded protein sequence. This variant is also referenced as c.519C>G; p.Phe173Leu in transcript NM_001360016.2. Five of five in-silico tools predict a damaging effect of the variant on protein function. The variant allele was found at a frequency of 5.5e-06 in 182837 control chromosomes. c.609C>G has been reported in the literature in multiple hemizygous individuals affected with Glucose 6 Phosphate Dehydrogenase Deficiency (e.g. Huang_2002). These data indicate that the variant is very likely to be associated with disease. The following publication has been ascertained in the context of this evaluation (PMID: 12105841). ClinVar contains an entry for this variant (Variation ID: 1722656). Based on the evidence outlined above, the variant was classified as pathogenic.

Labcorp Genetics (formerly Invitae), Labcorp
Classification: Pathogenic for Anemia, nonspherocytic hemolytic, due to G6PD deficiency. Last evaluated: 2023-08-14. Review status: criteria provided, single submitter. Criteria: Invitae Variant Classification Sherloc (09022015). Collection method: clinical testing. Allele origin: germline.
Comment: This sequence change replaces phenylalanine, which is neutral and non-polar, with leucine, which is neutral and non-polar, at codon 173 of the G6PD protein (p.Phe173Leu). This variant is present in population databases (no rsID available, gnomAD 0.008%). This missense change has been observed in individual(s) with glucose-6-phosphate dehydrogenase deficiency (PMID: 9444913, 16329560, 20582980, 30045279). ClinVar contains an entry for this variant (Variation ID: 1722656). Advanced modeling of protein sequence and biophysical properties (such as structural, functional, and spatial information, amino acid conservation, physicochemical variation, residue mobility, and thermodynamic stability) performed at Invitae indicates that this missense variant is expected to disrupt G6PD protein function. For these reasons, this variant has been classified as Pathogenic.

Dunham Lab, University of Washington
Classification: Pathogenic for Anemia, nonspherocytic hemolytic, due to G6PD deficiency. Last evaluated: 2022-08-12. Review status: criteria provided, single submitter. Criteria: Bayesian ACMG Guidelines, 2018. Collection method: curation. Allele origin: maternal. Affected: yes.
Comment: Variant found in two hemizygotes with deficiency and heterozygous mother with decreased G6PD activity (PP1, PP4). Decreased activity in red blood cells (20%) (PS3). Leads to same amino acid change as pathogenic variant (ClinVar ID 10407) (PS1). Below expected carrier frequency in gnomAD (PM2). Post_P 0.999 (odds of pathogenicity 6551, Prior_P 0.1).

Literature cited by the submitters: PubMed 12105841 (cited by Women's Health and Genetics/Laboratory Corporation of America, LabCorp); PubMed 9444913 (cited by Labcorp Genetics (formerly Invitae), Labcorp); PubMed 16329560 (cited by Labcorp Genetics (formerly Invitae), Labcorp); PubMed 20582980 (cited by Labcorp Genetics (formerly Invitae), Labcorp); PubMed 30045279 (cited by Labcorp Genetics (formerly Invitae), Labcorp); PubMed 9589612 (cited by Dunham Lab, University of Washington).